The following is an entry in ClinVar:

NM_000051.4(ATM):c.1135G>A (p.Asp379Asn)

Gene: ATM (ATM serine/threonine kinase; plus strand). Cytogenetic location: 11q22.3.
Variant type: single nucleotide variant.
Coding change: c.1135G>A on transcript NM_000051.4 (MANE Select); coding-DNA position 1135, G replaced by A.
Protein change: p.Asp379Asn; replaces aspartic acid 379 with asparagine.
Molecular consequence: missense variant.
Genome position (GRCh38, 1-based): chr11:108,249,002, G>A. VCF-style: chr11-108249002-G-A. GRCh37 (hg19) VCF-style: chr11-108119729-G-A.
Other names: c.1135G>A, p.Asp379Asn (NM_001351834.2); short protein forms D379N.
Identifiers: ClinVar variation 656243 (VCV000656243.8), dbSNP rs1591517693, ClinGen allele CA382532453.

ClinVar aggregate classification (germline): Uncertain significance (1 of 4 stars; one submission).

Conditions:
Ataxia-telangiectasia syndrome (AT). Also called: ATAXIA-TELANGIECTASIA, FRESNO VARIANT; Ataxia-telangiectasia, complementation group D; Cerebello-oculocutaneous telangiectasia; Immunodeficiency with ataxia telangiectasia; Ataxia-telangiectasia; Ataxia telangiectasia (A-T). Identifiers: Orphanet 100, MedGen C0004135, MONDO:0008840, OMIM 208900.

Allele frequency attached by ClinVar (database versions not stated): gnomAD 0.00001.
gnomAD v4.1: 1 of 1,613,206 alleles (0.000062%); highest among the groups gnomAD compares: African/African-American, 0.0013%; no homozygotes.

Submission:

Labcorp Genetics (formerly Invitae), Labcorp
Classification: Uncertain significance for Ataxia-telangiectasia syndrome. Last evaluated: 2018-10-10. Review status: criteria provided, single submitter. Criteria: Invitae Variant Classification Sherloc (09022015). Collection method: clinical testing. Allele origin: germline.
Comment: In summary, the available evidence is currently insufficient to determine the role of this variant in disease. Therefore, it has been classified as a Variant of Uncertain Significance. This sequence change replaces aspartic acid with asparagine at codon 379 of the ATM protein (p.Asp379Asn). The aspartic acid residue is weakly conserved and there is a small physicochemical difference between aspartic acid and asparagine. This variant is not present in population databases (ExAC no frequency). This variant has not been reported in the literature in individuals with ATM-related disease. Algorithms developed to predict the effect of missense changes on protein structure and function (SIFT, PolyPhen-2, Align-GVGD) all suggest that this variant is likely to be tolerated, but these predictions have not been confirmed by published functional studies and their clinical significance is uncertain.